The following is an entry in ClinVar:

ClinVar aggregate classification (germline): Likely benign. Review status: criteria provided, single submitter (1 of 4 stars). 2 submissions from 2 submitters: Likely benign (1). 1 of the submissions does not count toward it. Last evaluated 2024-11-15.

Conditions:
CHD1L-related disorder. Also called: CHD1L-related condition.

Allele frequency attached by ClinVar (database versions not stated): 1000 Genomes Project 30x 0.00109; 1000 Genomes Project 0.00120.
gnomAD v4.1: 715 of 1,604,638 alleles (0.045%); highest among the groups gnomAD compares: East Asian, 0.77%; 7 homozygotes.

Submissions (3):

Blueprint Genetics
Classification: Likely benign. Last evaluated: 2024-11-15. Review status: criteria provided, single submitter. Criteria: ACMG Guidelines, 2015. Collection method: clinical testing. Allele origin: germline.

PreventionGenetics, part of Exact Sciences
Classification: Likely benign for CHD1L-related condition. Last evaluated: 2019-04-16. Review status: no assertion criteria provided. Collection method: clinical testing. Allele origin: germline. Not counted in ClinVar's aggregate classification.
Comment: This variant is classified as likely benign based on ACMG/AMP sequence variant interpretation guidelines (Richards et al. 2015 PMID: 25741868, with internal and published modifications).

Dr. Peter K. Rogan Lab, Western University
No classification provided (evidence only). Condition: Hepatocellular carcinoma. Review status: no classification provided. Collection method: in vitro. Allele origin: not applicable. Functional consequence: retained intron. Not counted in ClinVar's aggregate classification.

NM_004284.6(CHD1L):c.896-10T>A

Gene: CHD1L (chromodomain helicase DNA binding protein 1 like; plus strand). Cytogenetic location: 1q21.1.
Variant type: single nucleotide variant.
Coding change: c.896-10T>A on transcript NM_004284.6 (MANE Select); 10 bases into the intron before coding-DNA position 896, T replaced by A.
Molecular consequence: intron variant.
Genome position (GRCh38, 1-based): chr1:147,267,416, T>A. VCF-style: chr1-147267416-T-A. GRCh37 (hg19) VCF-style: chr1-146739075-T-A.
Other names: NC_000001.10:g.146739075T>A; c.680-10T>A (NM_001348451.2, NM_001348452.2); c.53-10T>A (NM_001348462.2, NM_001348460.2, NM_001348465.2 and 9 more transcripts); c.407-10T>A (NM_001348455.2); c.557-10T>A (NM_024568.4, NM_001348453.2); c.596-10T>A (NM_001256336.3); c.440-10T>A (NM_001348454.2); c.284-10T>A (NM_001256338.3).
Identifiers: ClinVar variation 3042114 (VCV003042114.4), dbSNP rs149171266, ClinGen allele CA1063462.